The following is an entry in ClinVar:

ClinVar aggregate classification (germline): Likely benign. Review status: criteria provided, single submitter (1 of 4 stars). 2 submissions from 2 submitters: Likely benign (1). 1 of the submissions does not count toward it. Last evaluated 2026-01-27.

Conditions:
Woodhouse-Sakati syndrome. Also called: EXTRAPYRAMIDAL DISORDER, PROGRESSIVE, WITH PRIMARY HYPOGONADISM, MENTAL RETARDATION, AND ALOPECIA; Hypogonadism, Alopecia, Diabetes Mellitus, Mental Retardation, and Extrapyramidal Syndrome; Hypogonadism, diabetes mellitus, alopecia, mental retardation and electrocardiographic abnormalities. Identifiers: Orphanet 3464, MedGen C0342286, MONDO:0009419, OMIM 241080.
DCAF17-related disorder. Also called: DCAF17-related condition.

Submissions (2):

Labcorp Genetics (formerly Invitae), Labcorp
Classification: Likely benign for Woodhouse-Sakati syndrome. Last evaluated: 2026-01-27. Review status: criteria provided, single submitter. Criteria: Invitae Variant Classification Sherloc (09022015). Collection method: clinical testing. Allele origin: germline.

PreventionGenetics, part of Exact Sciences
Classification: Likely benign for DCAF17-related condition. Last evaluated: 2019-02-24. Review status: no assertion criteria provided. Collection method: clinical testing. Allele origin: germline. Not counted in ClinVar's aggregate classification.
Comment: This variant is classified as likely benign based on ACMG/AMP sequence variant interpretation guidelines (Richards et al. 2015 PMID: 25741868, with internal and published modifications).

NM_025000.4(DCAF17):c.322-19TC[2]

Gene: DCAF17 (DDB1 and CUL4 associated factor 17; plus strand). Cytogenetic location: 2q31.1.
Variant type: Microsatellite.
Coding change: c.322-19TC[2] on transcript NM_025000.4 (MANE Select); two copies in a row of the 2-base unit TC starting at c.322-19.
Molecular consequence: intron variant.
Genome position: GRCh38 VCF-style: chr2-171448661-ATC-A. GRCh37 (hg19) VCF-style: chr2-172305171-ATC-A.
Other names: c.322-14_322-13delCT (NM_025000.3); c.322-19TC[2] (NM_001164821.2).
Identifiers: ClinVar variation 1628167 (VCV001628167.10), dbSNP rs771200708, ClinGen allele CA1964627.